The following is an entry in ClinVar:

ClinVar aggregate classification (germline): Conflicting classifications of pathogenicity. Review status: criteria provided, conflicting classifications (1 of 4 stars). 2 submissions from 2 submitters: Pathogenic (1); Uncertain significance (1). Last evaluated 2026-08-05.

Submissions (2):

GeneDx
Classification: Pathogenic. Last evaluated: 2026-08-05. Review status: criteria provided, single submitter. Criteria: GeneDx Variant Classification Process June 2021. Collection method: clinical testing. Allele origin: germline.
Comment: Not observed at significant frequency in large population cohorts (gnomAD); In silico analysis supports that this missense variant has a deleterious effect on protein structure/function; Has not been previously published as pathogenic or benign to our knowledge

CeGaT Center for Human Genetics Tuebingen
Classification: Uncertain significance. Last evaluated: 2022-08-01. Review status: criteria provided, single submitter. Criteria: CeGaT Center For Human Genetics Tuebingen Variant Classification Criteria Version 2. Collection method: clinical testing. Allele origin: germline. Affected: yes. Observed: 1 variant allele.
Comment: CTCF: PM2, PP2, PS2:Supporting

NM_006565.4(CTCF):c.1042G>A (p.Glu348Lys)

Gene: CTCF (CCCTC-binding factor; plus strand). Cytogenetic location: 16q22.1.
Variant type: single nucleotide variant.
Coding change: c.1042G>A on transcript NM_006565.4 (MANE Select); coding-DNA position 1042, G replaced by A.
Protein change: p.Glu348Lys; replaces glutamic acid 348 with lysine.
Molecular consequence: missense variant.
Genome position (GRCh38, 1-based): chr16:67,616,834, G>A. VCF-style: chr16-67616834-G-A. GRCh37 (hg19) VCF-style: chr16-67650737-G-A.
Other names: c.58G>A, p.Glu20Lys (NM_001191022.2); c.1042G>A, p.Glu348Lys (NM_001363916.2); short protein forms E20K, E348K.
Identifiers: ClinVar variation 1711411 (VCV001711411.32), dbSNP rs2142839688, ClinGen allele CA396312382.